The following is an entry in ClinVar:

NM_006662.3(SRCAP):c.7544C>T (p.Pro2515Leu)

Gene: SRCAP (Snf2 related CREBBP activator protein; plus strand). Cytogenetic location: 16p11.2.
Variant type: single nucleotide variant.
Coding change: c.7544C>T on transcript NM_006662.3 (MANE Select); coding-DNA position 7544, C replaced by T.
Protein change: p.Pro2515Leu; replaces proline 2515 with leucine.
Molecular consequence: missense variant.
Genome position (GRCh38, 1-based): chr16:30,737,584, C>T. VCF-style: chr16-30737584-C-T. GRCh37 (hg19) VCF-style: chr16-30748905-C-T.
Other names: c.7544C>T (NM_006662.2); short protein forms P2515L.
Identifiers: ClinVar variation 2175692 (VCV002175692.29), dbSNP rs746031226, ClinGen allele CA8012506.

ClinVar aggregate classification (germline): Conflicting classifications of pathogenicity. Review status: criteria provided, conflicting classifications (1 of 4 stars). 3 submissions from 3 submitters: Uncertain significance (1); Likely benign (2). Last evaluated 2025-07-21.

Conditions:
Inborn genetic diseases. Identifiers: MedGen C0950123, MeSH D030342.

Allele frequency attached by ClinVar (database versions not stated): gnomAD 0.00001; TOPMed 0.00001; gnomAD exomes 0.00003.
gnomAD v4.1: 43 of 1,614,010 alleles (0.0027%); highest among the groups gnomAD compares: Middle Eastern, 0.082%; no homozygotes.

Submissions (3):

Labcorp Genetics (formerly Invitae), Labcorp
Classification: Uncertain significance. Last evaluated: 2025-07-21. Review status: criteria provided, single submitter. Criteria: Invitae Variant Classification Sherloc (09022015). Collection method: clinical testing. Allele origin: germline.
Comment: This sequence change replaces proline, which is neutral and non-polar, with leucine, which is neutral and non-polar, at codon 2515 of the SRCAP protein (p.Pro2515Leu). This variant is present in population databases (rs746031226, gnomAD 0.003%). This variant has not been reported in the literature in individuals affected with SRCAP-related conditions. ClinVar contains an entry for this variant (Variation ID: 2175692). Invitae Evidence Modeling of protein sequence and biophysical properties (such as structural, functional, and spatial information, amino acid conservation, physicochemical variation, residue mobility, and thermodynamic stability) indicates that this missense variant is not expected to disrupt SRCAP protein function with a negative predictive value of 80%. In summary, the available evidence is currently insufficient to determine the role of this variant in disease. Therefore, it has been classified as a Variant of Uncertain Significance.

CeGaT Center for Human Genetics Tuebingen
Classification: Likely benign. Last evaluated: 2023-10-01. Review status: criteria provided, single submitter. Criteria: CeGaT Center For Human Genetics Tuebingen Variant Classification Criteria Version 2. Collection method: clinical testing. Allele origin: germline. Affected: yes. Observed: 1 variant allele.
Comment: SRCAP: BP4

Ambry Genetics
Classification: Likely benign for Inborn genetic diseases. Last evaluated: 2021-11-05. Review status: criteria provided, single submitter. Criteria: Ambry Variant Classification Scheme 2023. Collection method: clinical testing. Allele origin: germline.